The following is an entry in ClinVar:

NM_020433.5(JPH2):c.2018A>G (p.Asn673Ser)

Gene: JPH2 (junctophilin 2; minus strand). Cytogenetic location: 20q13.12.
Variant type: single nucleotide variant.
Coding change: c.2018A>G on transcript NM_020433.5 (MANE Select); coding-DNA position 2018, A replaced by G.
Protein change: p.Asn673Ser; replaces asparagine 673 with serine.
Molecular consequence: missense variant.
Genome position (GRCh38, 1-based): chr20:44,114,869, T>C on the plus strand (A>G on the coding strand, the complement: JPH2 is on the minus strand). VCF-style: chr20-44114869-T-C. GRCh37 (hg19) VCF-style: chr20-42743509-T-C.
Other names: short protein forms N673S.
Identifiers: ClinVar variation 1016819 (VCV001016819.8), dbSNP rs781780252, ClinGen allele CA9868520.

ClinVar aggregate classification (germline): Uncertain significance (1 of 4 stars; one submission).

Conditions:
Hypertrophic cardiomyopathy. Also called: HYPERTROPHIC MYOCARDIOPATHY. Identifiers: Orphanet 217569, MedGen C0007194, MeSH D002312, MONDO:0005045, HP:0001639.

Allele frequency attached by ClinVar (database versions not stated): TOPMed below 0.00001; ExAC 0.00001; gnomAD exomes 0.00001.
gnomAD v4.1: 4 of 1,602,460 alleles (0.00025%); highest among the groups gnomAD compares: South Asian, 0.0023%; no homozygotes.

Submission:

Labcorp Genetics (formerly Invitae), Labcorp
Classification: Uncertain significance for Hypertrophic cardiomyopathy. Last evaluated: 2025-04-11. Review status: criteria provided, single submitter. Criteria: Invitae Variant Classification Sherloc (09022015). Collection method: clinical testing. Allele origin: germline.
Comment: This sequence change replaces asparagine, which is neutral and polar, with serine, which is neutral and polar, at codon 673 of the JPH2 protein (p.Asn673Ser). The frequency data for this variant in the population databases is considered unreliable, as metrics indicate poor data quality at this position in the gnomAD database. This variant has not been reported in the literature in individuals affected with JPH2-related conditions. ClinVar contains an entry for this variant (Variation ID: 1016819). An algorithm developed to predict the effect of missense changes on protein structure and function (PolyPhen-2) suggests that this variant is likely to be disruptive. In summary, the available evidence is currently insufficient to determine the role of this variant in disease. Therefore, it has been classified as a Variant of Uncertain Significance.